The following is an entry in ClinVar:

ClinVar aggregate classification (germline): Likely benign. Review status: criteria provided, multiple submitters, no conflicts (2 of 4 stars). 3 submissions from 3 submitters: Likely benign (3). Last evaluated 2024-02-05.

Conditions:
Cardiomyopathy (CMYO). Also called: Cardiomyopathies. Identifiers: Orphanet 167848, MedGen C0878544, MONDO:0004994, HP:0001638. Inheritance: Various modes of inheritance.
Catecholaminergic polymorphic ventricular tachycardia 1. Also called: VENTRICULAR TACHYCARDIA, CATECHOLAMINERGIC POLYMORPHIC, 1, WITH OR WITHOUT ATRIAL DYSFUNCTION AND/OR DILATED CARDIOMYOPATHY; VENTRICULAR TACHYCARDIA, STRESS-INDUCED POLYMORPHIC 1; RYR2-Related Catecholaminergic Polymorphic Ventricular Tachycardia. Identifiers: Orphanet 3286, MedGen C1631597, MONDO:0011484, OMIM 604772.
Catecholaminergic polymorphic ventricular tachycardia (CVPT). Also called: Catecholamine-induced polymorphic ventricular tachycardia. Identifiers: Orphanet 3286, MedGen C5574922, MONDO:0017990.

gnomAD v4.1: 4 of 1,611,568 alleles (0.00025%); highest among the groups gnomAD compares: East Asian, 0.0089%; no homozygotes.

Submissions (3):

All of Us Research Program, National Institutes of Health
Classification: Likely benign for Catecholaminergic polymorphic ventricular tachycardia. Last evaluated: 2024-02-05. Review status: criteria provided, single submitter. Criteria: ACMG Guidelines, 2015. Collection method: clinical testing. Allele origin: germline. Inheritance: Autosomal dominant inheritance. Observed: 1 variant allele, 1 heterozygote.
Comment: This study involves interpretation of variants in research participants for the purpose of population health screening. Participant phenotype was not available at the time of variant classification. Additional details can be found in publication PMID: 35346344, PMCID: PMC8962531

Color Diagnostics, LLC DBA Color Health
Classification: Likely benign for Cardiomyopathy. Last evaluated: 2021-04-06. Review status: criteria provided, single submitter. Criteria: ACMG Guidelines, 2015. Collection method: clinical testing. Allele origin: germline.

Labcorp Genetics (formerly Invitae), Labcorp
Classification: Likely benign for Catecholaminergic polymorphic ventricular tachycardia 1. Last evaluated: 2020-12-22. Review status: criteria provided, single submitter. Criteria: Invitae Variant Classification Sherloc (09022015). Collection method: clinical testing. Allele origin: germline.

NM_001035.3(RYR2):c.7431G>A (p.Gly2477=)

Gene: RYR2 (ryanodine receptor 2; plus strand). Cytogenetic location: 1q43.
Variant type: single nucleotide variant.
Coding change: c.7431G>A on transcript NM_001035.3 (MANE Select); coding-DNA position 7431, G replaced by A.
Protein change: p.Gly2477=; no amino-acid change (glycine 2477 retained).
Molecular consequence: synonymous variant.
Genome position (GRCh38, 1-based): chr1:237,648,532, G>A. VCF-style: chr1-237648532-G-A. GRCh37 (hg19) VCF-style: chr1-237811832-G-A.
Identifiers: ClinVar variation 1331816 (VCV001331816.12), dbSNP rs1347991904, ClinGen allele CA423819723.